The following is an entry in ClinVar:

ClinVar aggregate classification (germline): Uncertain significance (1 of 4 stars; one submission).

Conditions:
Inborn genetic diseases. Identifiers: MedGen C0950123, MeSH D030342.

Submission:

Ambry Genetics
Classification: Uncertain significance for Inborn genetic diseases. Last evaluated: 2025-06-19. Review status: criteria provided, single submitter. Criteria: Ambry Variant Classification Scheme 2023. Collection method: clinical testing. Allele origin: germline.
Comment: The p.K620Q variant (also known as c.1858A>C), located in coding exon 1 of the SAMD9 gene, results from an A to C substitution at nucleotide position 1858. The lysine at codon 620 is replaced by glutamine, an amino acid with similar properties. This amino acid position is conserved. In addition, this alteration is predicted to be tolerated by in silico analysis. Based on the available evidence, the clinical significance of this variant remains unclear.

NM_017654.4(SAMD9):c.1858A>C (p.Lys620Gln)

Gene: SAMD9 (sterile alpha motif domain containing 9; minus strand). Cytogenetic location: 7q21.2.
Variant type: single nucleotide variant.
Coding change: c.1858A>C on transcript NM_017654.4 (MANE Select); coding-DNA position 1858, A replaced by C.
Protein change: p.Lys620Gln; replaces lysine 620 with glutamine.
Molecular consequence: missense variant.
Genome position (GRCh38, 1-based): chr7:93,104,240, T>G on the plus strand (A>C on the coding strand, the complement: SAMD9 is on the minus strand). VCF-style: chr7-93104240-T-G. GRCh37 (hg19) VCF-style: chr7-92733553-T-G.
Other names: c.1858A>C, p.Lys620Gln (NM_001193307.2); short protein forms K620Q.
Identifiers: ClinVar variation 4159016 (VCV004159016.1).